The following is an entry in ClinVar:

NM_001127198.5(TMC6):c.2368G>A (p.Glu790Lys)

Gene: TMC6 (transmembrane channel like 6; minus strand). Cytogenetic location: 17q25.3.
Variant type: single nucleotide variant.
Coding change: c.2368G>A on transcript NM_001127198.5 (MANE Select); coding-DNA position 2368, G replaced by A.
Protein change: p.Glu790Lys; replaces glutamic acid 790 with lysine.
Molecular consequence: missense variant. On other transcripts: non-coding transcript variant (4).
Genome position (GRCh38, 1-based): chr17:78,113,198, C>T on the plus strand (G>A on the coding strand, the complement: TMC6 is on the minus strand). VCF-style: chr17-78113198-C-T. GRCh37 (hg19) VCF-style: chr17-76109279-C-T.
Other names: c.2368G>A, p.Glu790Lys (NM_001321185.1, NM_001374596.1, NM_001375353.1 and 2 more transcripts); c.2188G>A, p.Glu730Lys (NM_001374593.1, NM_001374594.1); short protein forms E790K, E730K.
Identifiers: ClinVar variation 1432975 (VCV001432975.6), dbSNP rs376941719, ClinGen allele CA8795288.

ClinVar aggregate classification (germline): Uncertain significance (1 of 4 stars; one submission).

Conditions:
Epidermodysplasia verruciformis. Identifiers: Orphanet 302, MedGen C0014522, MONDO:0009176.

Allele frequency attached by ClinVar (database versions not stated): gnomAD exomes 0.00001; gnomAD 0.00002; TOPMed 0.00002; ESP Exome Variant Server 0.00008.
gnomAD v4.1: 18 of 1,556,720 alleles (0.0012%); highest among the groups gnomAD compares: South Asian, 0.0024%; no homozygotes.

Submission:

Labcorp Genetics (formerly Invitae), Labcorp
Classification: Uncertain significance for Epidermodysplasia verruciformis. Last evaluated: 2025-08-08. Review status: criteria provided, single submitter. Criteria: Invitae Variant Classification Sherloc (09022015). Collection method: clinical testing. Allele origin: germline.
Comment: This sequence change replaces glutamic acid, which is acidic and polar, with lysine, which is basic and polar, at codon 790 of the TMC6 protein (p.Glu790Lys). The frequency data for this variant in the population databases is considered unreliable, as metrics indicate poor data quality at this position in the gnomAD database. This variant has not been reported in the literature in individuals affected with TMC6-related conditions. ClinVar contains an entry for this variant (Variation ID: 1432975). An algorithm developed to predict the effect of missense changes on protein structure and function (PolyPhen-2) suggests that this variant is likely to be tolerated. In summary, the available evidence is currently insufficient to determine the role of this variant in disease. Therefore, it has been classified as a Variant of Uncertain Significance.